The following is an entry in ClinVar:

ClinVar aggregate classification (germline): Likely benign (1 of 4 stars; one submission).

Allele frequency attached by ClinVar (database versions not stated): ExAC 0.00004; gnomAD 0.00009.

Submission:

CeGaT Center for Human Genetics Tuebingen
Classification: Likely benign. Last evaluated: 2024-03-01. Review status: criteria provided, single submitter. Criteria: CeGaT Center For Human Genetics Tuebingen Variant Classification Criteria Version 2. Collection method: clinical testing. Allele origin: germline. Affected: yes. Observed: 1 variant allele.
Comment: ZNF665: BP4, BP7

NM_024733.5(ZNF665):c.1914T>A (p.Arg638=)

Gene: ZNF665 (zinc finger protein 665; minus strand). Cytogenetic location: 19q13.42.
Variant type: single nucleotide variant.
Coding change: c.1914T>A on transcript NM_024733.5 (MANE Select); coding-DNA position 1914, T replaced by A.
Protein change: p.Arg638=; no amino-acid change (arginine 638 retained).
Molecular consequence: synonymous variant.
Genome position (GRCh38, 1-based): chr19:53,164,576, A>T on the plus strand (T>A on the coding strand, the complement: ZNF665 is on the minus strand). VCF-style: chr19-53164576-A-T. GRCh37 (hg19) VCF-style: chr19-53667829-A-T.
Other names: c.1908T>A, p.Arg636= (NM_001353457.2); c.1998T>A, p.Arg666= (NM_001353458.2); c.1914T>A, p.Arg638= (NM_001353459.2).
Identifiers: ClinVar variation 3026253 (VCV003026253.22), dbSNP rs759168785, ClinGen allele CA9631777.